The following is an entry in ClinVar:

NM_000237.3(LPL):c.995C>T (p.Thr332Ile)

Gene: LPL (lipoprotein lipase; plus strand). Cytogenetic location: 8p21.3.
Variant type: single nucleotide variant.
Coding change: c.995C>T on transcript NM_000237.3 (MANE Select); coding-DNA position 995, C replaced by T.
Protein change: p.Thr332Ile; replaces threonine 332 with isoleucine.
Molecular consequence: missense variant.
Genome position (GRCh38, 1-based): chr8:19,956,060, C>T. VCF-style: chr8-19956060-C-T. GRCh37 (hg19) VCF-style: chr8-19813571-C-T.
Other names: short protein forms T332I.
Identifiers: ClinVar variation 1206794 (VCV001206794.9), dbSNP rs2128838568, ClinGen allele CA370469421.

ClinVar aggregate classification (germline): Conflicting classifications of pathogenicity. Review status: criteria provided, conflicting classifications (1 of 4 stars). 2 submissions from 2 submitters: Likely pathogenic (1); Uncertain significance (1). Last evaluated 2025-12-14.

Submissions (2):

GeneDx
Classification: Likely pathogenic. Last evaluated: 2025-12-14. Review status: criteria provided, single submitter. Criteria: GeneDx Variant Classification Process June 2021. Collection method: clinical testing. Allele origin: germline. Affected: yes.
Comment: In silico analysis supports that this missense variant has a deleterious effect on protein structure/function; Not observed at significant frequency in large population cohorts (gnomAD); Has not been previously published as pathogenic or benign to our knowledge

Labcorp Genetics (formerly Invitae), Labcorp
Classification: Uncertain significance. Last evaluated: 2022-09-12. Review status: criteria provided, single submitter. Criteria: Invitae Variant Classification Sherloc (09022015). Collection method: clinical testing. Allele origin: germline.
Comment: This sequence change replaces threonine, which is neutral and polar, with isoleucine, which is neutral and non-polar, at codon 332 of the LPL protein (p.Thr332Ile). This variant is not present in population databases (gnomAD no frequency). This variant has not been reported in the literature in individuals affected with LPL-related conditions. ClinVar contains an entry for this variant (Variation ID: 1206794). Advanced modeling of protein sequence and biophysical properties (such as structural, functional, and spatial information, amino acid conservation, physicochemical variation, residue mobility, and thermodynamic stability) performed at Invitae indicates that this missense variant is expected to disrupt LPL protein function. In summary, the available evidence is currently insufficient to determine the role of this variant in disease. Therefore, it has been classified as a Variant of Uncertain Significance.